The following is an entry in ClinVar:

ClinVar aggregate classification (germline): Uncertain significance. Review status: criteria provided, multiple submitters, no conflicts (2 of 4 stars). 2 submissions from 2 submitters: Uncertain significance (2). Last evaluated 2024-07-10.

Allele frequency attached by ClinVar (database versions not stated): ExAC 0.00001; gnomAD 0.00003; TOPMed 0.00003; gnomAD exomes 0.00005; ESP Exome Variant Server 0.00008.
gnomAD v4.1: 77 of 1,613,982 alleles (0.0048%); highest among the groups gnomAD compares: Non-Finnish European, 0.0058%; no homozygotes.

Submissions (2):

Labcorp Genetics (formerly Invitae), Labcorp
Classification: Uncertain significance. Last evaluated: 2024-07-10. Review status: criteria provided, single submitter. Criteria: Invitae Variant Classification Sherloc (09022015). Collection method: clinical testing. Allele origin: germline.
Comment: This sequence change replaces threonine, which is neutral and polar, with alanine, which is neutral and non-polar, at codon 222 of the KANK4 protein (p.Thr222Ala). This variant is present in population databases (rs369263325, gnomAD 0.004%). This variant has not been reported in the literature in individuals affected with KANK4-related conditions. ClinVar contains an entry for this variant (Variation ID: 2493932). An algorithm developed to predict the effect of missense changes on protein structure and function outputs the following: PolyPhen-2: "Benign". The alanine amino acid residue is found in multiple mammalian species, which suggests that this missense change does not adversely affect protein function. In summary, the available evidence is currently insufficient to determine the role of this variant in disease. Therefore, it has been classified as a Variant of Uncertain Significance.

Ambry Genetics
Classification: Uncertain significance. Last evaluated: 2023-03-06. Review status: criteria provided, single submitter. Criteria: Ambry Variant Classification Scheme 2023. Collection method: clinical testing. Allele origin: germline.

NM_181712.5(KANK4):c.664A>G (p.Thr222Ala)

Gene: KANK4 (KN motif and ankyrin repeat domains 4; minus strand). Cytogenetic location: 1p31.3.
Variant type: single nucleotide variant.
Coding change: c.664A>G on transcript NM_181712.5 (MANE Select); coding-DNA position 664, A replaced by G.
Protein change: p.Thr222Ala; replaces threonine 222 with alanine.
Molecular consequence: missense variant. On other transcripts: intron variant (1).
Genome position (GRCh38, 1-based): chr1:62,274,440, T>C on the plus strand (A>G on the coding strand, the complement: KANK4 is on the minus strand). VCF-style: chr1-62274440-T-C. GRCh37 (hg19) VCF-style: chr1-62740112-T-C.
Other names: c.17-2851A>G (NM_001320269.2); short protein forms T222A.
Identifiers: ClinVar variation 2493932 (VCV002493932.5), dbSNP rs369263325, ClinGen allele CA884522.